The following is an entry in ClinVar:

ClinVar aggregate classification (germline): Uncertain significance (1 of 4 stars; one submission).

Submission:

Labcorp Genetics (formerly Invitae), Labcorp
Classification: Uncertain significance. Last evaluated: 2025-06-12. Review status: criteria provided, single submitter. Criteria: Invitae Variant Classification Sherloc (09022015). Collection method: clinical testing. Allele origin: germline.
Comment: This sequence change replaces glutamic acid, which is acidic and polar, with aspartic acid, which is acidic and polar, at codon 278 of the MAFB protein (p.Glu278Asp). This variant is not present in population databases (gnomAD no frequency). This variant has not been reported in the literature in individuals affected with MAFB-related conditions. ClinVar contains an entry for this variant (Variation ID: 1933038). Invitae Evidence Modeling of protein sequence and biophysical properties (such as structural, functional, and spatial information, amino acid conservation, physicochemical variation, residue mobility, and thermodynamic stability) indicates that this missense variant is not expected to disrupt MAFB protein function with a negative predictive value of 95%. In summary, the available evidence is currently insufficient to determine the role of this variant in disease. Therefore, it has been classified as a Variant of Uncertain Significance.

NM_005461.5(MAFB):c.834G>C (p.Glu278Asp)

Gene: MAFB (MAF bZIP transcription factor B; minus strand). Cytogenetic location: 20q12.
Variant type: single nucleotide variant.
Coding change: c.834G>C on transcript NM_005461.5 (MANE Select); coding-DNA position 834, G replaced by C.
Protein change: p.Glu278Asp; replaces glutamic acid 278 with aspartic acid.
Molecular consequence: missense variant.
Genome position (GRCh38, 1-based): chr20:40,688,017, C>G on the plus strand (G>C on the coding strand, the complement: MAFB is on the minus strand). VCF-style: chr20-40688017-C-G. GRCh37 (hg19) VCF-style: chr20-39316657-C-G.
Other names: short protein forms E278D.
Identifiers: ClinVar variation 1933038 (VCV001933038.5), dbSNP rs1409534689, ClinGen allele CA408940281.